The following is an entry in ClinVar:

ClinVar aggregate classification (germline): Uncertain significance. Review status: criteria provided, multiple submitters, no conflicts (2 of 4 stars). 3 submissions from 3 submitters: Uncertain significance (3). Last evaluated 2026-05-11.

Conditions:
Malignant hyperthermia, susceptibility to, 1 (MHS1). Also called: Anesthesia related hyperthermia; Malignant hyperpyrexia; Fulminating hyperpyrexia; Pharmacogenic myopathy; Malignant hyperthermia suceptibility 1; RYR1-Related Malignant Hyperthermia Susceptibility. Identifiers: Orphanet 423, MedGen C2930980, MONDO:0007783, OMIM 145600.
RYR1-related disorder. Also called: RYR1-related condition; RYR1-related disorders. Identifiers: MedGen CN239331.

Submissions (3):

Women's Health and Genetics/Laboratory Corporation of America, LabCorp
Classification: Uncertain significance. Last evaluated: 2026-05-11. Review status: criteria provided, single submitter. Criteria: LabCorp Variant Classification Summary - May 2015. Collection method: clinical testing. Allele origin: germline.
Comment: Variant summary: RYR1 c.12554C>A (p.Ala4185Glu) results in a non-conservative amino acid change in the encoded protein sequence. Algorithms developed to predict the effect of missense changes on protein structure and function all suggest that this variant is likely to be disruptive. The variant allele was found at a frequency of 4e-06 in 249940 control chromosomes. The available data on variant occurrences in the general population are insufficient to allow any conclusion about variant significance. To our knowledge, no occurrence of c.12554C>A in individuals affected with RYR1-related conditions and no experimental evidence demonstrating its impact on protein function have been reported. ClinVar contains an entry for this variant (Variation ID: 2065573). Based on the evidence outlined above, the variant was classified as uncertain significance.

All of Us Research Program, National Institutes of Health
Classification: Uncertain significance for Malignant hyperthermia, susceptibility to, 1. Last evaluated: 2024-08-13. Review status: criteria provided, single submitter. Criteria: ACMG Guidelines, 2015. Collection method: clinical testing. Allele origin: germline. Inheritance: Autosomal dominant inheritance. Observed: 2 variant alleles, 2 heterozygotes.
Comment: This missense variant replaces alanine with glutamic acid at codon 4185 of the RYR1 protein. Computational prediction suggests that this variant may not impact protein structure and functio. To our knowledge, functional studies have not been reported for this variant. This variant has not been reported in individuals affected with RYR1-related disorders in the literature. This variant has been identified in 1/249940 chromosomes in the general population by the Genome Aggregation Database (gnomAD). The available evidence is insufficient to determine the role of this variant in disease conclusively. Therefore, this variant is classified as a Variant of Uncertain Significance.

This study involves interpretation of variants in research participants for the purpose of population health screening. Participant phenotype was not available at the time of variant classification. Additional details can be found in publication PMID: 35346344, PMCID: PMC8962531

Labcorp Genetics (formerly Invitae), Labcorp
Classification: Uncertain significance for RYR1-related disorder. Last evaluated: 2022-06-15. Review status: criteria provided, single submitter. Criteria: Invitae Variant Classification Sherloc (09022015). Collection method: clinical testing. Allele origin: germline.
Comment: This sequence change replaces alanine, which is neutral and non-polar, with glutamic acid, which is acidic and polar, at codon 4185 of the RYR1 protein (p.Ala4185Glu). The frequency data for this variant in the population databases is considered unreliable, as metrics indicate poor data quality at this position in the gnomAD database. This variant has not been reported in the literature in individuals affected with RYR1-related conditions. Advanced modeling of protein sequence and biophysical properties (such as structural, functional, and spatial information, amino acid conservation, physicochemical variation, residue mobility, and thermodynamic stability) performed at Invitae indicates that this missense variant is not expected to disrupt RYR1 protein function. In summary, the available evidence is currently insufficient to determine the role of this variant in disease. Therefore, it has been classified as a Variant of Uncertain Significance.

NM_000540.3(RYR1):c.12554C>A (p.Ala4185Glu)

Gene: RYR1 (ryanodine receptor 1; plus strand). Cytogenetic location: 19q13.2.
Variant type: single nucleotide variant.
Coding change: c.12554C>A on transcript NM_000540.3 (MANE Select); coding-DNA position 12554, C replaced by A.
Protein change: p.Ala4185Glu; replaces alanine 4185 with glutamic acid.
Molecular consequence: missense variant.
Genome position (GRCh38, 1-based): chr19:38,561,384, C>A. VCF-style: chr19-38561384-C-A. GRCh37 (hg19) VCF-style: chr19-39052024-C-A.
Other names: c.12539C>A, p.Ala4180Glu (NM_001042723.2); short protein forms A4180E, A4185E.
Identifiers: ClinVar variation 2065573 (VCV002065573.3), dbSNP rs764029140, ClinGen allele CA059082.